The following is an entry in ClinVar:

NM_033116.6(NEK9):c.2783A>G (p.Gln928Arg)

Gene: NEK9 (NIMA related kinase 9; minus strand). Cytogenetic location: 14q24.3.
Variant type: single nucleotide variant.
Coding change: c.2783A>G on transcript NM_033116.6 (MANE Select); coding-DNA position 2783, A replaced by G.
Protein change: p.Gln928Arg; replaces glutamine 928 with arginine.
Molecular consequence: missense variant.
Genome position (GRCh38, 1-based): chr14:75,087,052, T>C on the plus strand (A>G on the coding strand, the complement: NEK9 is on the minus strand). VCF-style: chr14-75087052-T-C. GRCh37 (hg19) VCF-style: chr14-75553755-T-C.
Other names: c.2819A>G, p.Gln940Arg (NM_001329237.2); c.2429A>G, p.Gln810Arg (NM_001329238.2); short protein forms Q810R, Q928R, Q940R.
Identifiers: ClinVar variation 4279885 (VCV004279885.1).

ClinVar aggregate classification (germline): Uncertain significance (1 of 4 stars; one submission).

Conditions:
NEK9-related lethal skeletal dysplasia. Also called: Lethal congenital contracture syndrome 10. Identifiers: Orphanet 464366, MedGen C5568141, MONDO:0014870, OMIM 617022.

gnomAD v4.1: 2 of 1,614,270 alleles (0.00012%); highest among the groups gnomAD compares: South Asian, 0.0011%; no homozygotes.

Submission:

Clinical Genomics Laboratory, Washington University in St. Louis
Classification: Uncertain significance for NEK9-related lethal skeletal dysplasia. Last evaluated: 2025-08-04. Review status: criteria provided, single submitter. Criteria: ACMG Guidelines, 2015. Collection method: clinical testing. Allele origin: germline.
Comment: A NEK9 c.2783A>G (p.Gln928Arg) variant was identified at a near heterozygous allelic fraction of 48.3%, a frequency which may be consistent with it being of germline origin. This variant, to our knowledge, has not been reported in the medical literature. This variant is only observed in 2/1,614,270 alleles in the general population (gnomAD v4.1.0), indicating it is not a common variant. Computational predictors suggest that the variant does not impact NEK9 function. Due to limited information, and based on ACMG/AMP guidelines for variant interpretation (Richards S et al., PMID: 25741868), the clinical significance of this variant is uncertain at this time.